The following is an entry in ClinVar:

ClinVar aggregate classification (germline): Likely benign. Review status: criteria provided, single submitter (1 of 4 stars). 2 submissions from 2 submitters: Likely benign (1). 1 of the submissions does not count toward it. Last evaluated 2023-09-09.

Conditions:
WNT5A-related disorder. Also called: WNT5A-related condition.

Allele frequency attached by ClinVar (database versions not stated): ExAC 0.00002; TOPMed 0.00002; gnomAD 0.00004; gnomAD exomes 0.00005.
gnomAD v4.1: 76 of 1,579,974 alleles (0.0048%); highest among the groups gnomAD compares: Non-Finnish European, 0.0064%; no homozygotes.

Submissions (2):

Labcorp Genetics (formerly Invitae), Labcorp
Classification: Likely benign. Last evaluated: 2023-09-09. Review status: criteria provided, single submitter. Criteria: Invitae Variant Classification Sherloc (09022015). Collection method: clinical testing. Allele origin: germline.

PreventionGenetics, part of Exact Sciences
Classification: Likely benign for WNT5A-related condition. Last evaluated: 2021-07-06. Review status: no assertion criteria provided. Collection method: clinical testing. Allele origin: germline. Not counted in ClinVar's aggregate classification.
Comment: This variant is classified as likely benign based on ACMG/AMP sequence variant interpretation guidelines (Richards et al. 2015 PMID: 25741868, with internal and published modifications).

NM_003392.7(WNT5A):c.141-5T>C

Gene: WNT5A (Wnt family member 5A; minus strand). Cytogenetic location: 3p14.3.
Variant type: single nucleotide variant.
Coding change: c.141-5T>C on transcript NM_003392.7 (MANE Select); 5 bases into the intron before coding-DNA position 141, T replaced by C.
Molecular consequence: intron variant.
Genome position (GRCh38, 1-based): chr3:55,479,569, A>G on the plus strand (T>C on the coding strand, the complement: WNT5A is on the minus strand). VCF-style: chr3-55479569-A-G. GRCh37 (hg19) VCF-style: chr3-55513597-A-G.
Other names: c.141-5T>C (NM_003392.4); c.96-5T>C (NM_001377271.1, NM_001377272.1, NM_001256105.1).
Identifiers: ClinVar variation 2914603 (VCV002914603.5), dbSNP rs756403639, ClinGen allele CA2459101.